The following is an entry in ClinVar:

ClinVar aggregate classification (germline): Likely pathogenic (1 of 4 stars; one submission).

Conditions:
Osteogenesis imperfecta type III (OI3). Also called: Progressively Deforming Osteogenesis Imperfecta; Osteogenesis imperfecta type 3; OI type 3; Osteogenesis imperfecta, progressively deforming with normal sclerae; OI type III. Identifiers: Orphanet 216812, Orphanet 666, MedGen C0268362, MONDO:0009804, OMIM 259420.

Submission:

Clinical Biomedical Laboratory, Shriners Hospital For Children - Canada
Classification: Likely pathogenic for Osteogenesis imperfecta type III. Last evaluated: 2025-05-23. Review status: criteria provided, single submitter. Criteria: ACMG Guidelines, 2015. Collection method: clinical testing. Allele origin: germline. Affected: yes.
Comment: This variant is predicted to substitute a glutamine residue by a glutamate residue in the C-propeptide of the alpha 1 chain of collagen type I. In the Genome Aggregation Database (gnomAD v2.1.1) this variant is not present. Computational tools (Revel 0.93) suggest that the amino acid change is damaging to protein function. Missense variants in the C-propeptide of the alpha 1 chain of collagen type I are a typical cause of osteogenesis imperfecta.

NM_000088.4(COL1A1):c.4051C>G (p.Gln1351Glu)

Gene: COL1A1 (collagen type I alpha 1 chain; minus strand). Cytogenetic location: 17q21.33.
Variant type: single nucleotide variant.
Coding change: c.4051C>G on transcript NM_000088.4 (MANE Select); coding-DNA position 4051, C replaced by G.
Protein change: p.Gln1351Glu; replaces glutamine 1351 with glutamic acid.
Molecular consequence: missense variant.
Genome position (GRCh38, 1-based): chr17:50,185,975, G>C on the plus strand (C>G on the coding strand, the complement: COL1A1 is on the minus strand). VCF-style: chr17-50185975-G-C. GRCh37 (hg19) VCF-style: chr17-48263336-G-C.
Other names: short protein forms Q1351E.
Identifiers: ClinVar variation 4057243 (VCV004057243.1).
Genomic context (GRCh38, chr17:50,185,975, plus strand): 5'-TGCAGTGGTAGGTGATGTTCTGGGAGGCCTCGGTGGACATCAGGCGCAGGAAGGTCAGCT[G>C]GATGGCCACATCGGCAGGGTCGGAGCCCTGGCCGCCATACTCGAACTGCAGGGGAGGGGA-3'
Protein context (NP_000079.2, residues 1341-1361): QGSDPADVAI[Gln1351Glu]LTFLRLMSTE